The following is an entry in ClinVar:

NM_006785.4(MALT1):c.1820A>T (p.Glu607Val)

Gene: MALT1 (MALT1 paracaspase; plus strand). Cytogenetic location: 18q21.32.
Variant type: single nucleotide variant.
Coding change: c.1820A>T on transcript NM_006785.4 (MANE Select); coding-DNA position 1820, A replaced by T.
Protein change: p.Glu607Val; replaces glutamic acid 607 with valine.
Molecular consequence: missense variant.
Genome position (GRCh38, 1-based): chr18:58,744,404, A>T. VCF-style: chr18-58744404-A-T. GRCh37 (hg19) VCF-style: chr18-56411636-A-T.
Other names: c.1820A>T, p.Glu607Val (LRG_1221t1); c.1787A>T, p.Glu596Val (NM_173844.3); short protein forms E607V, E596V.
Identifiers: ClinVar variation 577430 (VCV000577430.8), dbSNP rs1568157422, ClinGen allele CA402575863.

ClinVar aggregate classification (germline): Uncertain significance (1 of 4 stars; one submission).

Conditions:
Combined immunodeficiency due to MALT1 deficiency. Also called: Immunodeficiency 12. Identifiers: Orphanet 397964, MedGen C3809583, MONDO:0014197, OMIM 615468.

Allele frequency attached by ClinVar (database versions not stated): gnomAD exomes below 0.00001; gnomAD 0.00001.
gnomAD v4.1: 2 of 1,611,118 alleles (0.00012%); highest among the groups gnomAD compares: Non-Finnish European, 0.000085%; no homozygotes.

Submission:

Labcorp Genetics (formerly Invitae), Labcorp
Classification: Uncertain significance for Combined immunodeficiency due to MALT1 deficiency. Last evaluated: 2022-05-12. Review status: criteria provided, single submitter. Criteria: Invitae Variant Classification Sherloc (09022015). Collection method: clinical testing. Allele origin: germline.
Comment: In summary, the available evidence is currently insufficient to determine the role of this variant in disease. Therefore, it has been classified as a Variant of Uncertain Significance. This sequence change replaces glutamic acid, which is acidic and polar, with valine, which is neutral and non-polar, at codon 607 of the MALT1 protein (p.Glu607Val). This variant is not present in population databases (gnomAD no frequency). This variant has not been reported in the literature in individuals affected with MALT1-related conditions. ClinVar contains an entry for this variant (Variation ID: 577430). Algorithms developed to predict the effect of missense changes on protein structure and function (SIFT, PolyPhen-2, Align-GVGD) all suggest that this variant is likely to be disruptive.